The following is an entry in ClinVar:

ClinVar aggregate classification (germline): Conflicting classifications of pathogenicity. Review status: criteria provided, conflicting classifications (1 of 4 stars). 6 submissions from 6 submitters: Uncertain significance (5); Likely benign (1). Last evaluated 2025-07-11.

Conditions:
Cardiovascular phenotype. Identifiers: MedGen CN230736.
Myopathy, myofibrillar, 9, with early respiratory failure (MFM9). Also called: Hereditary myopathy with early respiratory failure; EDSTROM MYOPATHY; MYOPATHY, PROXIMAL, WITH EARLY RESPIRATORY MUSCLE INVOLVEMENT; Myopathy, distal, with early respiratory failure, autosomal dominant. Identifiers: Orphanet 178464, Orphanet 34521, MedGen C1863599, MONDO:0011362, OMIM 603689.
Hypertrophic cardiomyopathy 9. Also called: Familial hypertrophic cardiomyopathy 9. Identifiers: MedGen C1861065, MONDO:0013412, OMIM 613765.
Early-onset myopathy with fatal cardiomyopathy (CMYO5). Also called: CONGENITAL MYOPATHY 5 WITH CARDIOMYOPATHY; Salih Myopathy. Identifiers: Orphanet 289377, MedGen C2673677, MONDO:0012714, OMIM 611705. Disease mechanism: loss of function.
Tibial muscular dystrophy (TMD). Also called: Tibial muscular dystrophy, tardive; UDD MYOPATHY; Udd Distal Myopathy – Tibial Muscular Dystrophy. Identifiers: Orphanet 609, MedGen C1838244, MONDO:0010870, OMIM 600334.
Autosomal recessive limb-girdle muscular dystrophy type 2J (LGMDR10). Also called: MUSCULAR DYSTROPHY, LIMB-GIRDLE, AUTOSOMAL RECESSIVE 10; Limb-girdle muscular dystrophy, type 2J. Identifiers: Orphanet 140922, MedGen C1837342, MONDO:0012127, OMIM 608807.
Dilated cardiomyopathy 1G (CMD1G). Identifiers: Orphanet 154, MedGen C1858763, MONDO:0011400, OMIM 604145.

Allele frequency attached by ClinVar (database versions not stated): TOPMed 0.00007; ESP Exome Variant Server 0.00008; gnomAD exomes 0.00008 and 0.00004; ExAC 0.00004; gnomAD 0.00007.
gnomAD v4.1: 74 of 1,614,020 alleles (0.0046%); highest among the groups gnomAD compares: Admixed American, 0.0017%; no homozygotes.

Submissions (6):

Revvity Omics, Revvity
Classification: Uncertain significance. Last evaluated: 2025-07-11. Review status: criteria provided, single submitter. Criteria: ACMG Guidelines, 2015. Collection method: clinical testing. Allele origin: germline.

Blueprint Genetics
Classification: Likely benign. Last evaluated: 2024-11-08. Review status: criteria provided, single submitter. Criteria: ACMG Guidelines, 2015. Collection method: clinical testing. Allele origin: germline.

Department of Pathology and Laboratory Medicine, Sinai Health System
Classification: Uncertain significance for Tibial muscular dystrophy; Myopathy, myofibrillar, 9, with early respiratory failure; Dilated cardiomyopathy 1G; Autosomal recessive limb-girdle muscular dystrophy type 2J; Early-onset myopathy with fatal cardiomyopathy; Hypertrophic cardiomyopathy 9. Last evaluated: 2021-07-30. Review status: criteria provided, single submitter. Criteria: ACMG Guidelines, 2015. Collection method: research. Allele origin: germline.

Ambry Genetics
Classification: Uncertain significance for Cardiovascular phenotype. Last evaluated: 2020-07-22. Review status: criteria provided, single submitter. Criteria: Ambry Variant Classification Scheme 2023. Collection method: clinical testing. Allele origin: germline.
Comment: The p.M3075I variant (also known as c.9225G>A), located in coding exon 38 of the TTN gene, results from a G to A substitution at nucleotide position 9225. The methionine at codon 3075 is replaced by isoleucine, an amino acid with highly similar properties. This amino acid position is well conserved in available vertebrate species. In addition, this alteration is predicted to be tolerated by in silico analysis. Since supporting evidence is limited at this time, the clinical significance of this alteration remains unclear.

GeneDx
Classification: Uncertain significance. Last evaluated: 2014-06-05. Review status: criteria provided, single submitter. Criteria: GeneDx Variant Classification (06012015). Collection method: clinical testing. Allele origin: germline. Affected: yes.
Comment: Missense variants in the TTN gene are considered 'unclassified' if they are not previously reported in the literature and do not have >1% frequency in the population to be considered a polymorphism. Research indicates that truncating mutations in the TTN gene are expected to account for approximately 25% of familial and 18% of sporadic idiopathic DCM; however, truncating variants in the TTN gene have been reported in approximately 3% of reported control alleles. There has been little investigation into non-truncating variants. (Herman D et al. Truncations of titin causing dilated cardiomyopathy. N Eng J Med 366:619-628, 2012) The variant is found in CARDIOMYOPATHY panel(s).

Biesecker Lab/Clinical Genomics Section, National Institutes of Health
Classification: Uncertain significance. Last evaluated: 2013-06-24. Review status: criteria provided, single submitter. Criteria: Ng et al. (Circ Cardiovasc Genet. 2013). Collection method: research. Allele origin: unknown. Observed: 1 variant allele. Study: ClinSeq.
Comment: The study set was not selected for affection status in relation to any cancer. Pathogenicity categories were based on literature curation. See Pubmed ID:23861362 for details.

Medical sequencing

NM_001267550.2(TTN):c.9363G>A (p.Met3121Ile)

Gene: TTN (titin; minus strand). Cytogenetic location: 2q31.2.
Variant type: single nucleotide variant.
Coding change: c.9363G>A on transcript NM_001267550.2 (MANE Select); coding-DNA position 9363, G replaced by A.
Protein change: p.Met3121Ile; replaces methionine 3121 with isoleucine.
Molecular consequence: missense variant.
Genome position (GRCh38, 1-based): chr2:178,767,867, C>T on the plus strand (G>A on the coding strand, the complement: TTN is on the minus strand). VCF-style: chr2-178767867-C-T. GRCh37 (hg19) VCF-style: chr2-179632594-C-T.
Other names: p.M3121I:ATG>ATA; c.9363G>A, p.Met3121Ile (NM_133379.5, NM_001256850.1, NM_133378.4); c.9225G>A, p.Met3075Ile (NM_133432.3, NM_133437.4, NM_003319.4); short protein forms M3121I, M3075I.
Identifiers: ClinVar variation 192066 (VCV000192066.10), dbSNP rs200413367, ClinGen allele CA302543.